The following is an entry in ClinVar:

ClinVar aggregate classification (germline): Uncertain significance (1 of 4 stars; one submission).

Conditions:
Usher syndrome type 3B. Also called: USHER SYNDROME, TYPE IIIB. Identifiers: MedGen C3281066, MONDO:0013788, OMIM 614504.

Submission:

Labcorp Genetics (formerly Invitae), Labcorp
Classification: Uncertain significance for Usher syndrome type 3B. Last evaluated: 2022-03-12. Review status: criteria provided, single submitter. Criteria: Invitae Variant Classification Sherloc (09022015). Collection method: clinical testing. Allele origin: germline.
Comment: Variants that disrupt the consensus splice site are a relatively common cause of aberrant splicing (PMID: 17576681, 9536098). Algorithms developed to predict the effect of sequence changes on RNA splicing suggest that this variant may disrupt the consensus splice site. In summary, the available evidence is currently insufficient to determine the role of this variant in disease. Therefore, it has been classified as a Variant of Uncertain Significance. This variant has not been reported in the literature in individuals affected with HARS-related conditions. This variant is not present in population databases (gnomAD no frequency). This sequence change affects codon 100 of the HARS mRNA. It is a 'silent' change, meaning that it does not change the encoded amino acid sequence of the HARS protein. This variant also falls at the last nucleotide of exon 3, which is part of the consensus splice site for this exon.

Literature cited by the submitters: PubMed 17576681; PubMed 9536098.

NM_002109.6(HARS1):c.300G>A (p.Lys100=)

Gene: HARS1 (histidyl-tRNA synthetase 1; minus strand). Cytogenetic location: 5q31.3.
Variant type: single nucleotide variant.
Coding change: c.300G>A on transcript NM_002109.6 (MANE Select); coding-DNA position 300, G replaced by A.
Protein change: p.Lys100=; no amino-acid change (lysine 100 retained).
Molecular consequence: synonymous variant. On other transcripts: intron variant (3).
Genome position (GRCh38, 1-based): chr5:140,683,100, C>T on the plus strand (G>A on the coding strand, the complement: HARS1 is on the minus strand). VCF-style: chr5-140683100-C-T. GRCh37 (hg19) VCF-style: chr5-140062685-C-T.
Other names: c.300G>A, p.Lys100= (NM_001258041.3, NM_001289092.2); c.213G>A, p.Lys71= (NM_001289094.2); c.181-5085G>A (NM_001289093.2); c.181-3217G>A (NM_001258042.3, NM_001258040.3).
Identifiers: ClinVar variation 2110259 (VCV002110259.4), dbSNP rs2481290582, ClinGen allele CA446640543.
Genomic context (GRCh38, chr5:140,683,100, plus strand): 5'-TTCTTTGTTATTCAAATGCCCACTCATCTACCATGTAGTTTCTTCTTGCCCATTCCTCAC[C>T]TTTAGTTCAAATACAGGTGTATCAATGACTTCTGCACCGTGGCGCTTGAAGCAACGGATG-3'
Protein context (NP_002100.2, residues 90-110): EVIDTPVFEL[Lys100=]ETLMGKYGED